The following is an entry in ClinVar:

NM_004006.3(DMD):c.3172C>T (p.Gln1058Ter)

Gene: DMD (dystrophin; minus strand). Cytogenetic location: Xp21.1.
Variant type: single nucleotide variant.
Coding change: c.3172C>T on transcript NM_004006.3 (MANE Select); coding-DNA position 3172, C replaced by T.
Protein change: p.Gln1058Ter; replaces glutamine 1058 with a stop codon.
Molecular consequence: nonsense.
Genome position (GRCh38, 1-based): chrX:32,464,690, G>A on the plus strand (C>T on the coding strand, the complement: DMD is on the minus strand). VCF-style: chrX-32464690-G-A. GRCh37 (hg19) VCF-style: chrX-32482807-G-A.
Other names: c.3148C>T, p.Gln1050Ter (NM_000109.4); c.3160C>T, p.Gln1054Ter (NM_004009.3); c.2803C>T, p.Gln935Ter (NM_004010.3); short protein forms Q1050*, Q1054*, Q1058*, Q935*.
Identifiers: ClinVar variation 1322535 (VCV001322535.3), dbSNP rs2148428322, ClinGen allele CA412665170.

ClinVar aggregate classification (germline): Pathogenic (1 of 4 stars; one submission).

Submission:

Athena Diagnostics
Classification: Pathogenic. Last evaluated: 2022-03-28. Review status: criteria provided, single submitter. Criteria: Athena Diagnostics Criteria. Collection method: clinical testing. Allele origin: unknown.
Comment: This variant is expected to result in the loss of a functional protein. This variant has not been reported in large, multi-ethnic general populations. This variant has been identified in at least one individual with Duchenne muscular dystrophy (DMD).

Literature cited by the submitters: PubMed 18583217; PubMed 31412794.